The following is an entry in ClinVar:

NC_000002.11:g.(?_152579876)_(152589670_?)del

Gene: NEB (nebulin; minus strand). Cytogenetic location: 2q23.3.
Variant type: Deletion.
Identifiers: ClinVar variation 2424069 (VCV002424069.4).

ClinVar aggregate classification (germline): Pathogenic (1 of 4 stars; one submission).

Conditions:
Nemaline myopathy 2 (NEM2). Also called: Nemaline myopathy 2, autosomal recessive. Identifiers: MedGen C1850569, MONDO:0009725, OMIM 256030.

Submission:

Labcorp Genetics (formerly Invitae), Labcorp
Classification: Pathogenic for Nemaline myopathy 2. Last evaluated: 2022-08-25. Review status: criteria provided, single submitter. Criteria: Invitae Variant Classification Sherloc (09022015). Collection method: clinical testing. Allele origin: germline.
Comment: For these reasons, this variant has been classified as Pathogenic. This variant has not been reported in the literature in individuals affected with NEB-related conditions. This variant is a gross deletion of the genomic region encompassing exon(s) 3-9 of the NEB gene, which includes the initiator codon. This deletion extends beyond the assayed region for this gene and therefore may encompass additional genes. It is expected to result in an absent or disrupted protein product. Loss-of-function variants in NEB are known to be pathogenic (PMID: 25205138).

Literature cited by the submitters: PubMed 25205138.